The following is an entry in ClinVar:

ClinVar aggregate classification (germline): Benign. Review status: criteria provided, multiple submitters, no conflicts (2 of 4 stars). 6 submissions from 6 submitters: Benign (6). Last evaluated 2026-01-26.

Conditions:
Microcephalic osteodysplastic primordial dwarfism type II (MOPD2). Also called: Microcephalic osteodysplastic primordial dwarfism with tooth abnormalities; MOPD II; OSTEODYSPLASTIC PRIMORDIAL DWARFISM, TYPE II. Identifiers: Orphanet 2637, MedGen C0432246, MONDO:0008872, OMIM 210720.

Allele frequency attached by ClinVar (database versions not stated): gnomAD exomes 0.00523; ExAC 0.00675; gnomAD 0.01957 and 0.02105; TOPMed 0.02153; 1000 Genomes Project 0.02177; 1000 Genomes Project 30x 0.02280; ESP Exome Variant Server 0.02537.
gnomAD v4.1: 6,132 of 1,613,986 alleles (0.38%); highest among the groups gnomAD compares: African/African-American, 6.8%; 179 homozygotes.

Submissions (6):

Labcorp Genetics (formerly Invitae), Labcorp
Classification: Benign. Last evaluated: 2026-01-26. Review status: criteria provided, single submitter. Criteria: Invitae Variant Classification Sherloc (09022015). Collection method: clinical testing. Allele origin: germline.

ARUP Laboratories, Molecular Genetics and Genomics, ARUP Laboratories
Classification: Benign for Microcephalic osteodysplastic primordial dwarfism type II. Last evaluated: 2025-06-24. Review status: criteria provided, single submitter. Criteria: ARUP Molecular Germline Variant Investigation Process 2024. Collection method: clinical testing. Allele origin: germline.

Illumina Laboratory Services, Illumina
Classification: Benign for Microcephalic osteodysplastic primordial dwarfism type II. Last evaluated: 2018-01-13. Review status: criteria provided, single submitter. Criteria: ICSL Variant Classification Criteria 13 December 2019. Collection method: clinical testing. Allele origin: germline.
Comment: This variant was observed in the ICSL laboratory as part of a predisposition screen in an ostensibly healthy population. It had not been previously curated by ICSL or reported in the Human Gene Mutation Database (HGMD: prior to June 1st, 2018), and was therefore a candidate for classification through an automated scoring system. Utilizing variant allele frequency, disease prevalence and penetrance estimates, and inheritance mode, an automated score was calculated to assess if this variant is too frequent to cause the disease. Based on the score and internal cut-off values, a variant classified as benign is not then subjected to further curation. The score for this variant resulted in a classification of benign for this disease.

GeneDx
Classification: Benign. Last evaluated: 2016-02-04. Review status: criteria provided, single submitter. Criteria: GeneDx Variant Classification (06012015). Collection method: clinical testing. Allele origin: germline. Affected: yes.
Comment: This variant is considered likely benign or benign based on one or more of the following criteria: it is a conservative change, it occurs at a poorly conserved position in the protein, it is predicted to be benign by multiple in silico algorithms, and/or has population frequency not consistent with disease.

Genetic Services Laboratory, University of Chicago
Classification: Benign. Last evaluated: 2013-02-08. Review status: criteria provided, single submitter. Criteria: ACMG Guidelines, 2007. Collection method: clinical testing. Allele origin: germline. Inheritance: Autosomal recessive inheritance.

Breakthrough Genomics
Classification: Benign. Review status: criteria provided, single submitter. Criteria: ACMG Guidelines, 2015. Collection method: not provided. Allele origin: germline. Inheritance: Autosomal recessive inheritance. Affected: yes.

NM_006031.6(PCNT):c.7867C>T (p.Leu2623=)

Gene: PCNT (pericentrin; plus strand). Cytogenetic location: 21q22.3.
Variant type: single nucleotide variant.
Coding change: c.7867C>T on transcript NM_006031.6 (MANE Select); coding-DNA position 7867, C replaced by T.
Protein change: p.Leu2623=; no amino-acid change (leucine 2623 retained).
Molecular consequence: synonymous variant.
Genome position (GRCh38, 1-based): chr21:46,430,186, C>T. VCF-style: chr21-46430186-C-T. GRCh37 (hg19) VCF-style: chr21-47850100-C-T.
Other names: c.7513C>T, p.Leu2505= (NM_001315529.2).
Identifiers: ClinVar variation 159665 (VCV000159665.28), dbSNP rs61735821, ClinGen allele CA173106.